The following is an entry in ClinVar:

ClinVar aggregate classification (germline): Likely pathogenic (1 of 4 stars; one submission).

Submission:

Mayo Clinic Laboratories, Mayo Clinic
Classification: Likely pathogenic. Last evaluated: 2023-10-10. Review status: criteria provided, single submitter. Criteria: ACMG Guidelines, 2015. Collection method: clinical testing. Allele origin: germline. Observed: 1 variant allele.
Comment: PP3, PM1, PM2_moderate, PM5

NM_000552.5(VWF):c.3360G>C (p.Trp1120Cys)

Gene: VWF (von Willebrand factor; minus strand). Cytogenetic location: 12p13.31.
Variant type: single nucleotide variant.
Coding change: c.3360G>C on transcript NM_000552.5 (MANE Select); coding-DNA position 3360, G replaced by C.
Protein change: p.Trp1120Cys; replaces tryptophan 1120 with cysteine.
Molecular consequence: missense variant.
Genome position (GRCh38, 1-based): chr12:6,023,650, C>G on the plus strand (G>C on the coding strand, the complement: VWF is on the minus strand). VCF-style: chr12-6023650-C-G. GRCh37 (hg19) VCF-style: chr12-6132816-C-G.
Other names: p.Trp1120Cys; short protein forms W1120C.
Identifiers: ClinVar variation 3381083 (VCV003381083.1).
Genomic context (GRCh38, chr12:6,023,650, plus strand): 5'-GAAGGGAGGGCATCTGAGAACATGAGGGCGTCAGTACTCACGGCACAATGTGGCCGTCCT[C>G]CAGGTCACCACCTTGCCATGCTGGGCACACACGTGGGCATAGGCAGCAATGGTGTCGCAG-3'
Protein context (NP_000543.3, residues 1110-1130): VCAQHGKVVT[Trp1120Cys]RTATLCPQSC